The following is an entry in ClinVar:

ClinVar aggregate classification (germline): Pathogenic (1 of 4 stars; one submission).

Conditions:
Osteogenesis imperfecta type 8 (OI8). Identifiers: MedGen C1970458, MONDO:0012581, OMIM 610915.

Allele frequency attached by ClinVar (database versions not stated): TOPMed below 0.00001; ExAC 0.00001; gnomAD 0.00001.
gnomAD v4.1: 3 of 1,614,052 alleles (0.00019%); highest among the groups gnomAD compares: East Asian, 0.0045%; no homozygotes.

Submission:

Labcorp Genetics (formerly Invitae), Labcorp
Classification: Pathogenic for Osteogenesis imperfecta type 8. Last evaluated: 2025-03-27. Review status: criteria provided, single submitter. Criteria: Invitae Variant Classification Sherloc (09022015). Collection method: clinical testing. Allele origin: germline.
Comment: This sequence change creates a premature translational stop signal (p.Gln470*) in the P3H1 gene. It is expected to result in an absent or disrupted protein product. Loss-of-function variants in P3H1 are known to be pathogenic (PMID: 17277775, 18566967, 19088120, 22281939). This variant is present in population databases (rs757634052, gnomAD 0.01%). This variant has not been reported in the literature in individuals affected with P3H1-related conditions. ClinVar contains an entry for this variant (Variation ID: 2964300). For these reasons, this variant has been classified as Pathogenic.

Literature cited by the submitters: PubMed 17277775; PubMed 18566967; PubMed 19088120; PubMed 22281939.

NM_022356.4(P3H1):c.1408C>T (p.Gln470Ter)

Gene: P3H1 (prolyl 3-hydroxylase 1; minus strand). Cytogenetic location: 1p34.2.
Variant type: single nucleotide variant.
Coding change: c.1408C>T on transcript NM_022356.4 (MANE Select); coding-DNA position 1408, C replaced by T.
Protein change: p.Gln470Ter; replaces glutamine 470 with a stop codon.
Molecular consequence: nonsense.
Genome position (GRCh38, 1-based): chr1:42,752,602, G>A on the plus strand (C>T on the coding strand, the complement: P3H1 is on the minus strand). VCF-style: chr1-42752602-G-A. GRCh37 (hg19) VCF-style: chr1-43218273-G-A.
Other names: c.1408C>T, p.Gln470Ter (NM_001146289.2, NM_001243246.2); short protein forms Q470*.
Identifiers: ClinVar variation 2964300 (VCV002964300.3), dbSNP rs757634052, ClinGen allele CA801859.